The following is an entry in ClinVar:

NM_002294.3(LAMP2):c.331A>G (p.Ile111Val)

Gene: LAMP2 (lysosome associated membrane protein 2; minus strand). Cytogenetic location: Xq24.
Variant type: single nucleotide variant.
Coding change: c.331A>G on transcript NM_002294.3 (MANE Select); coding-DNA position 331, A replaced by G.
Protein change: p.Ile111Val; replaces isoleucine 111 with valine.
Molecular consequence: missense variant.
Genome position (GRCh38, 1-based): chrX:120,455,423, T>C on the plus strand (A>G on the coding strand, the complement: LAMP2 is on the minus strand). VCF-style: chrX-120455423-T-C. GRCh37 (hg19) VCF-style: chrX-119589278-T-C.
Other names: c.331A>G (NM_002294.2); c.331A>G, p.Ile111Val (NM_001122606.1, NM_013995.2); short protein forms I111V.
Identifiers: ClinVar variation 1013076 (VCV001013076.13), dbSNP rs762218821, ClinGen allele CA10505321.

ClinVar aggregate classification (germline): Conflicting classifications of pathogenicity. Review status: criteria provided, conflicting classifications (1 of 4 stars). 3 submissions from 3 submitters: Uncertain significance (1); Likely benign (2). Last evaluated 2026-09-21.

Conditions:
Cardiovascular phenotype. Identifiers: MedGen CN230736.
Danon disease. Also called: PSEUDOGLYCOGENOSIS II; GSD IIb; LYSOSOMAL GLYCOGEN STORAGE DISEASE WITHOUT ACID MALTASE DEFICIENCY; Glycogen Storage Disease Type IIb; ANTOPOL DISEASE. Identifiers: Orphanet 34587, MedGen C0878677, MONDO:0010281, OMIM 300257.

Allele frequency attached by ClinVar (database versions not stated): gnomAD 0.00001; gnomAD exomes 0.00001; 1000 Genomes Project 0.00026; TOPMed 0.00001; 1000 Genomes Project 30x 0.00021; ExAC 0.00001.
gnomAD v4.1: 8 of 1,208,543 alleles (0.00066%); highest among the groups gnomAD compares: Non-Finnish European, 0.00067%; no homozygotes.

Submissions (3):

Molecular Diagnostic Laboratory for Inherited Cardiovascular Disease, Montreal Heart Institute
Classification: Likely benign. Last evaluated: 2026-09-21. Review status: criteria provided, single submitter. Criteria: ACMG Guidelines, 2015. Collection method: clinical testing. Allele origin: germline. Affected: no.
Comment: BP1, BP4

Ambry Genetics
Classification: Likely benign for Cardiovascular phenotype. Last evaluated: 2025-05-16. Review status: criteria provided, single submitter. Criteria: Ambry Variant Classification Scheme 2023. Collection method: clinical testing. Allele origin: germline.

Labcorp Genetics (formerly Invitae), Labcorp
Classification: Uncertain significance for Danon disease. Last evaluated: 2023-04-01. Review status: criteria provided, single submitter. Criteria: Invitae Variant Classification Sherloc (09022015). Collection method: clinical testing. Allele origin: germline.
Comment: In summary, the available evidence is currently insufficient to determine the role of this variant in disease. Therefore, it has been classified as a Variant of Uncertain Significance. Advanced modeling of protein sequence and biophysical properties (such as structural, functional, and spatial information, amino acid conservation, physicochemical variation, residue mobility, and thermodynamic stability) performed at Invitae indicates that this missense variant is not expected to disrupt LAMP2 protein function. ClinVar contains an entry for this variant (Variation ID: 1013076). This variant has not been reported in the literature in individuals affected with LAMP2-related conditions. This variant is present in population databases (rs762218821, gnomAD 0.001%). This sequence change replaces isoleucine, which is neutral and non-polar, with valine, which is neutral and non-polar, at codon 111 of the LAMP2 protein (p.Ile111Val).

Literature cited by the submitters: PubMed 33495597 (cited by Ambry Genetics).